The following is an entry in ClinVar:

NM_000363.5(TNNI3):c.6G>A (p.Ala2=)

Gene: TNNI3 (troponin I3, cardiac type; minus strand). Cytogenetic location: 19q13.42.
Variant type: single nucleotide variant.
Coding change: c.6G>A on transcript NM_000363.5 (MANE Select); coding-DNA position 6, G replaced by A.
Protein change: p.Ala2=; no amino-acid change (alanine 2 retained).
Molecular consequence: synonymous variant.
Genome position (GRCh38, 1-based): chr19:55,157,584, C>T on the plus strand (G>A on the coding strand, the complement: TNNI3 is on the minus strand). VCF-style: chr19-55157584-C-T. GRCh37 (hg19) VCF-style: chr19-55668952-C-T.
Other names: p.A2A:GCG>GCA.
Identifiers: ClinVar variation 43399 (VCV000043399.22), dbSNP rs397516361, ClinGen allele CA022121.
Genomic context (GRCh38, chr19:55,157,584, plus strand): 5'-TCTTGGGAACCCGGGAGGTCGCCCCCAACTCCCACTGCCTTGGGGCATCACTCACCCATC[C>T]GCCATGCTGAGACTCAGGCCGGGAATGGCAGGAGGCAGGGCGAGGACAGGGGCGTTTGGA-3'
Protein context (NP_000354.4, residues 1-12): M[Ala2=]DGSSDAAREP

ClinVar aggregate classification (germline): Benign/Likely benign. Review status: criteria provided, multiple submitters, no conflicts (2 of 4 stars). 7 submissions from 7 submitters: Benign (1); Likely benign (6). Last evaluated 2025-08-18.

Conditions:
Cardiovascular phenotype. Identifiers: MedGen CN230736.
Cardiomyopathy (CMYO). Also called: Cardiomyopathies. Identifiers: Orphanet 167848, MedGen C0878544, MONDO:0004994, HP:0001638. Inheritance: Various modes of inheritance.
Hypertrophic cardiomyopathy. Also called: HYPERTROPHIC MYOCARDIOPATHY. Identifiers: Orphanet 217569, MedGen C0007194, MeSH D002312, MONDO:0005045, HP:0001639.

Allele frequency attached by ClinVar (database versions not stated): TOPMed 0.00003; gnomAD 0.00004.
gnomAD v4.1: 31 of 1,613,858 alleles (0.0019%); highest among the groups gnomAD compares: African/African-American, 0.012%; no homozygotes.

Submissions (7):

Labcorp Genetics (formerly Invitae), Labcorp
Classification: Likely benign for Hypertrophic cardiomyopathy. Last evaluated: 2025-08-18. Review status: criteria provided, single submitter. Criteria: Invitae Variant Classification Sherloc (09022015). Collection method: clinical testing. Allele origin: germline.

All of Us Research Program, National Institutes of Health
Classification: Likely benign for Hypertrophic cardiomyopathy. Last evaluated: 2024-07-23. Review status: criteria provided, single submitter. Criteria: ACMG Guidelines, 2015. Collection method: clinical testing. Allele origin: germline. Inheritance: Autosomal dominant inheritance. Observed: 6 variant alleles, 6 heterozygotes.
Comment: This study involves interpretation of variants in research participants for the purpose of population health screening. Participant phenotype was not available at the time of variant classification. Additional details can be found in publication PMID: 35346344, PMCID: PMC8962531

Blueprint Genetics
Classification: Likely benign. Last evaluated: 2024-07-17. Review status: criteria provided, single submitter. Criteria: ACMG Guidelines, 2015. Collection method: clinical testing. Allele origin: germline.

Ambry Genetics
Classification: Likely benign for Cardiovascular phenotype. Last evaluated: 2023-05-15. Review status: criteria provided, single submitter. Criteria: Ambry Variant Classification Scheme 2023. Collection method: clinical testing. Allele origin: germline.

Color Diagnostics, LLC DBA Color Health
Classification: Likely benign for Cardiomyopathy. Last evaluated: 2020-02-09. Review status: criteria provided, single submitter. Criteria: ACMG Guidelines, 2015. Collection method: clinical testing. Allele origin: germline.

GeneDx
Classification: Benign. Last evaluated: 2014-09-22. Review status: criteria provided, single submitter. Criteria: GeneDx Variant Classification (06012015). Collection method: clinical testing. Allele origin: germline. Affected: yes.
Comment: This variant is considered likely benign or benign based on one or more of the following criteria: it is a conservative change, it occurs at a poorly conserved position in the protein, it is predicted to be benign by multiple in silico algorithms, and/or has population frequency not consistent with disease.

Laboratory for Molecular Medicine, Mass General Brigham Personalized Medicine
Classification: Likely benign. Last evaluated: 2009-12-07. Review status: criteria provided, single submitter. Criteria: LMM Criteria. Collection method: clinical testing. Allele origin: germline. Observed: 1 variant allele.